The following is an entry in ClinVar:

NM_001378615.1(CC2D2A):c.1331G>A (p.Arg444Lys)

Genes: CC2D2A (coiled-coil and C2 domain containing 2A; plus strand), FBXL5 (F-box and leucine rich repeat protein 5; minus strand). Cytogenetic location: 4p15.32.
Variant type: single nucleotide variant.
Coding change: c.1331G>A on transcript NM_001378615.1 (MANE Select); coding-DNA position 1331, G replaced by A.
Protein change: p.Arg444Lys; replaces arginine 444 with lysine.
Molecular consequence: missense variant.
Genome position (GRCh38, 1-based): chr4:15,527,628, G>A. VCF-style: chr4-15527628-G-A. GRCh37 (hg19) VCF-style: chr4-15529251-G-A.
Other names: c.1331G>A, p.Arg444Lys (NM_001080522.2); c.1184G>A, p.Arg395Lys (NM_001378617.1); short protein forms R444K, R395K.
Identifiers: ClinVar variation 1919615 (VCV001919615.2), dbSNP rs761152992, ClinGen allele CA2863632.

ClinVar aggregate classification (germline): Uncertain significance (1 of 4 stars; one submission).

Conditions:
Joubert syndrome. Also called: Familial aplasia of the vermis; JOUBERT-BOLTSHAUSER SYNDROME. Identifiers: Orphanet 475, MedGen C5979921, MONDO:0018772.
Meckel-Gruber syndrome. Also called: Dysencephalia splachnocystica; DYSENCEPHALIA SPLANCHNOCYSTICA; GRUBER SYNDROME. Identifiers: Orphanet 564, MedGen C0265215, MONDO:0018921.

Allele frequency attached by ClinVar (database versions not stated): gnomAD exomes below 0.00001; TOPMed below 0.00001; ExAC 0.00001.
gnomAD v4.1: 1 of 1,609,696 alleles (0.000062%); highest among the groups gnomAD compares: Admixed American, 0.0017%; no homozygotes.

Submission:

Labcorp Genetics (formerly Invitae), Labcorp
Classification: Uncertain significance for Joubert syndrome; Meckel-Gruber syndrome. Last evaluated: 2022-04-30. Review status: criteria provided, single submitter. Criteria: Invitae Variant Classification Sherloc (09022015). Collection method: clinical testing. Allele origin: germline.
Comment: This sequence change replaces arginine, which is basic and polar, with lysine, which is basic and polar, at codon 444 of the CC2D2A protein (p.Arg444Lys). The frequency data for this variant in the population databases is considered unreliable, as metrics indicate poor data quality at this position in the gnomAD database. This variant has not been reported in the literature in individuals affected with CC2D2A-related conditions. Advanced modeling of protein sequence and biophysical properties (such as structural, functional, and spatial information, amino acid conservation, physicochemical variation, residue mobility, and thermodynamic stability) performed at Invitae indicates that this missense variant is not expected to disrupt CC2D2A protein function. In summary, the available evidence is currently insufficient to determine the role of this variant in disease. Therefore, it has been classified as a Variant of Uncertain Significance.